The following is an entry in ClinVar:

ClinVar aggregate classification (germline): Uncertain significance (1 of 4 stars; one submission).

Conditions:
Hereditary cancer-predisposing syndrome. Also called: Neoplastic Syndromes, Hereditary; Tumor predisposition; Hereditary Cancer Syndrome; Hereditary neoplastic syndrome. Identifiers: Orphanet 140162, MedGen C0027672, MeSH D009386, MONDO:0015356.

Submission:

Ambry Genetics
Classification: Uncertain significance for Hereditary cancer-predisposing syndrome. Last evaluated: 2026-08-12. Review status: criteria provided, single submitter. Criteria: Ambry Variant Classification Scheme 2023. Collection method: clinical testing. Allele origin: germline.
Comment: The c.3473_3475delGTT variant (also known as p.C1158del) is located in coding exon 6 of the MSH6 gene. This variant results from an in-frame GTT deletion at nucleotide positions 3473 to 3475. This results in the in-frame deletion of a cysteine at codon 1158. This amino acid position is highly conserved in available vertebrate species. In addition, this alteration is predicted to be deleterious by in silico analysis (Choi Y et al. PLoS ONE. 2012; 7(10):e46688). Based on the available evidence, the clinical significance of this variant remains unclear.

NM_000179.3(MSH6):c.3470GTT[1] (p.Cys1158del)

Gene: MSH6 (mutS homolog 6; plus strand). Cytogenetic location: 2p16.3.
Variant type: Microsatellite.
Coding change: c.3470GTT[1] on transcript NM_000179.3 (MANE Select); one copy of the 3-base unit GTT starting at c.3470; the reference has two copies in a row; one copy, 3 bases deleted.
Protein change: p.Cys1158del; deletes cysteine 1158.
Molecular consequence: inframe deletion.
Genome position (GRCh38, 1-based): chr2:47,804,944-47,804,946, GTT deleted; deleting any 3 consecutive bases within chr2:47,804,941-47,804,946 gives the same sequence; the position shown is the placement nearest the transcript's 3' end. VCF-style (leftmost placement, unchanged base first): chr2-47804940-GGTT-G. GRCh37 (hg19) VCF-style: chr2-48032079-GGTT-G.
Other names: c.3080GTT[1], p.Cys1028del (NM_001281492.2); c.2564GTT[1], p.Cys856del (NM_001281493.2, NM_001281494.2); c.3473_3475delGTT (NM_000179.2); short protein forms C1158del, C1028del, C856del.
Identifiers: ClinVar variation 5024923 (VCV005024923.1), dbSNP rs587779265.